The following is an entry in ClinVar:

NM_004429.5(EFNB1):c.190T>C (p.Cys64Arg)

Gene: EFNB1 (ephrin B1; plus strand). Cytogenetic location: Xq13.1.
Variant type: single nucleotide variant.
Coding change: c.190T>C on transcript NM_004429.5 (MANE Select); coding-DNA position 190, T replaced by C.
Protein change: p.Cys64Arg; replaces cysteine 64 with arginine.
Molecular consequence: missense variant.
Genome position (GRCh38, 1-based): chrX:68,838,678, T>C. VCF-style: chrX-68838678-T-C. GRCh37 (hg19) VCF-style: chrX-68058521-T-C.
Other names: short protein forms C64R.
Identifiers: ClinVar variation 3843690 (VCV003843690.2).

ClinVar aggregate classification (germline): Pathogenic (1 of 4 stars; one submission).

Conditions:
Inborn genetic diseases. Identifiers: MedGen C0950123, MeSH D030342.

Submission:

Ambry Genetics
Classification: Pathogenic for Inborn genetic diseases. Last evaluated: 2025-03-31. Review status: criteria provided, single submitter. Criteria: Ambry Variant Classification Scheme 2023. Collection method: clinical testing. Allele origin: germline.
Comment: The c.190T>C (p.C64R) alteration is located in exon 2 (coding exon 2) of the EFNB1 gene. This alteration results from a T to C substitution at nucleotide position 190, causing the cysteine (C) at amino acid position 64 to be replaced by an arginine (R). This variant was not reported in population-based cohorts in the Genome Aggregation Database (gnomAD). Other variants at the same codon, c.190T>A (p.C64S), c.191G>A (p.C64Y), and c.191G>T (p.C64F) have been identified in individuals with features consistent with craniofrontonasal dysplasia (Twigg, 2006; Vora, 2020; Bukowska-Olech, 2021). This amino acid position is highly conserved in available vertebrate species. This alteration is predicted to be deleterious by in silico analysis. Based on the available evidence, this alteration is classified as pathogenic.

Literature cited by the submitters: PubMed 16685650; PubMed 31974414; PubMed 34174922.